The following is an entry in ClinVar:

NM_178452.6(DNAAF1):c.1495C>A (p.Pro499Thr)

Gene: DNAAF1 (dynein axonemal assembly factor 1; plus strand). Cytogenetic location: 16q24.1.
Variant type: single nucleotide variant.
Coding change: c.1495C>A on transcript NM_178452.6 (MANE Select); coding-DNA position 1495, C replaced by A.
Protein change: p.Pro499Thr; replaces proline 499 with threonine.
Molecular consequence: missense variant.
Genome position (GRCh38, 1-based): chr16:84,170,323, C>A. VCF-style: chr16-84170323-C-A. GRCh37 (hg19) VCF-style: chr16-84203929-C-A.
Other names: c.787C>A, p.Pro263Thr (NM_001318756.1); c.1495C>A (NM_178452.5); short protein forms P499T, P263T.
Identifiers: ClinVar variation 242158 (VCV000242158.20), dbSNP rs201519478, ClinGen allele CA8202872.

ClinVar aggregate classification (germline): Conflicting classifications of pathogenicity. Review status: criteria provided, conflicting classifications (1 of 4 stars). 4 submissions from 4 submitters: Uncertain significance (1); Benign (1); Likely benign (1). 1 of the submissions does not count toward it. Last evaluated 2026-01-21.

Conditions:
DNAAF1-related disorder. Also called: DNAAF1-related condition.
Primary ciliary dyskinesia. Also called: Ciliary dyskinesia. Identifiers: Orphanet 244, MedGen C0008780, MONDO:0016575, HP:0012265.
Primary ciliary dyskinesia 13. Also called: CILIARY DYSKINESIA, PRIMARY, 13, WITH OR WITHOUT SITUS INVERSUS. Identifiers: Orphanet 244, MedGen C2750790, MONDO:0013174, OMIM 613193.

Allele frequency attached by ClinVar (database versions not stated): ESP Exome Variant Server 0.00008; gnomAD exomes 0.00040 and 0.00075; gnomAD 0.00048 and 0.00050; TOPMed 0.00049; ExAC 0.00055.
gnomAD v4.1: 690 of 1,611,784 alleles (0.043%); highest among the groups gnomAD compares: Non-Finnish European, 0.0071%; 10 homozygotes.

Submissions (4):

Labcorp Genetics (formerly Invitae), Labcorp
Classification: Benign for Primary ciliary dyskinesia. Last evaluated: 2026-01-21. Review status: criteria provided, single submitter. Criteria: Invitae Variant Classification Sherloc (09022015). Collection method: clinical testing. Allele origin: germline.

Ambry Genetics
Classification: Likely benign for Primary ciliary dyskinesia. Last evaluated: 2018-11-28. Review status: criteria provided, single submitter. Criteria: Ambry Variant Classification Scheme 2023. Collection method: clinical testing. Allele origin: germline.

Illumina Laboratory Services, Illumina
Classification: Uncertain significance for Primary ciliary dyskinesia 13. Last evaluated: 2018-01-12. Review status: criteria provided, single submitter. Criteria: ICSL Variant Classification Criteria 13 December 2019. Collection method: clinical testing. Allele origin: germline.

PreventionGenetics, part of Exact Sciences
Classification: Likely benign for DNAAF1-related condition. Last evaluated: 2022-09-02. Review status: no assertion criteria provided. Collection method: clinical testing. Allele origin: germline. Not counted in ClinVar's aggregate classification.
Comment: This variant is classified as likely benign based on ACMG/AMP sequence variant interpretation guidelines (Richards et al. 2015 PMID: 25741868, with internal and published modifications).